The following is an entry in ClinVar:

ClinVar aggregate classification (germline): Likely pathogenic (1 of 4 stars; one submission).

Conditions:
RYR1-related disorder. Also called: RYR1-related disorders; RYR1-related condition. Identifiers: MedGen CN239331.

gnomAD v4.1: 1 of 1,614,120 alleles (0.000062%); highest among the groups gnomAD compares: Non-Finnish European, 0.000085%; no homozygotes.

Submission:

Labcorp Genetics (formerly Invitae), Labcorp
Classification: Likely pathogenic for RYR1-related disorder. Last evaluated: 2022-11-29. Review status: criteria provided, single submitter. Criteria: Invitae Variant Classification Sherloc (09022015). Collection method: clinical testing. Allele origin: germline.
Comment: This sequence change replaces arginine, which is basic and polar, with glycine, which is neutral and non-polar, at codon 4861 of the RYR1 protein (p.Arg4861Gly). ClinVar contains an entry for this variant (Variation ID: 943431). This variant has not been reported in the literature in individuals affected with RYR1-related conditions. This variant is not present in population databases (gnomAD no frequency). In summary, the currently available evidence indicates that the variant is pathogenic, but additional data are needed to prove that conclusively. Therefore, this variant has been classified as Likely Pathogenic. This variant disrupts the p.Arg4861 amino acid residue in RYR1. Other variant(s) that disrupt this residue have been determined to be pathogenic (PMID: 11709545, 12565913, 16621918, 23394784, 25521991). This suggests that this residue is clinically significant, and that variants that disrupt this residue are likely to be disease-causing. Advanced modeling of protein sequence and biophysical properties (such as structural, functional, and spatial information, amino acid conservation, physicochemical variation, residue mobility, and thermodynamic stability) performed at Invitae indicates that this missense variant is expected to disrupt RYR1 protein function.

Literature cited by the submitters: PubMed 11709545; PubMed 12565913; PubMed 16621918; PubMed 23394784; PubMed 25521991.

NM_000540.3(RYR1):c.14581C>G (p.Arg4861Gly)

Gene: RYR1 (ryanodine receptor 1; plus strand). Cytogenetic location: 19q13.2.
Variant type: single nucleotide variant.
Coding change: c.14581C>G on transcript NM_000540.3 (MANE Select); coding-DNA position 14581, C replaced by G.
Protein change: p.Arg4861Gly; replaces arginine 4861 with glycine.
Molecular consequence: missense variant.
Genome position (GRCh38, 1-based): chr19:38,580,439, C>G. VCF-style: chr19-38580439-C-G. GRCh37 (hg19) VCF-style: chr19-39071079-C-G.
Other names: c.14566C>G, p.Arg4856Gly (NM_001042723.2); short protein forms R4856G, R4861G.
Identifiers: ClinVar variation 943431 (VCV000943431.9), dbSNP rs118192181, ClinGen allele CA405687798.